The following is an entry in ClinVar:

ClinVar aggregate classification (germline): Benign/Likely benign. Review status: criteria provided, multiple submitters, no conflicts (2 of 4 stars). 3 submissions from 3 submitters: Benign (1); Likely benign (1). 1 of the submissions does not count toward it. Last evaluated 2025-09-14.

Conditions:
NYNRIN-related disorder. Also called: NYNRIN-related condition.

Allele frequency attached by ClinVar (database versions not stated): gnomAD exomes 0.00045; ExAC 0.00080; 1000 Genomes Project 0.00180; 1000 Genomes Project 30x 0.00187; ESP Exome Variant Server 0.00192; gnomAD 0.00228; TOPMed 0.00247.
gnomAD v4.1: 1,049 of 1,613,854 alleles (0.065%); highest among the groups gnomAD compares: African/African-American, 0.63%; 3 homozygotes.

Submissions (3):

Labcorp Genetics (formerly Invitae), Labcorp
Classification: Benign. Last evaluated: 2025-09-14. Review status: criteria provided, single submitter. Criteria: Invitae Variant Classification Sherloc (09022015). Collection method: clinical testing. Allele origin: germline.

CeGaT Center for Human Genetics Tuebingen
Classification: Likely benign. Last evaluated: 2023-04-01. Review status: criteria provided, single submitter. Criteria: CeGaT Center For Human Genetics Tuebingen Variant Classification Criteria Version 2. Collection method: clinical testing. Allele origin: germline. Affected: yes. Observed: 1 variant allele.
Comment: NYNRIN: BP4, BP7

PreventionGenetics, part of Exact Sciences
Classification: Likely benign for NYNRIN-related condition. Last evaluated: 2023-04-18. Review status: no assertion criteria provided. Collection method: clinical testing. Allele origin: germline. Not counted in ClinVar's aggregate classification.
Comment: This variant is classified as likely benign based on ACMG/AMP sequence variant interpretation guidelines (Richards et al. 2015 PMID: 25741868, with internal and published modifications).

NM_025081.3(NYNRIN):c.3039G>A (p.Ala1013=)

Gene: NYNRIN (NYN domain and retroviral integrase containing; plus strand). Cytogenetic location: 14q12.
Variant type: single nucleotide variant.
Coding change: c.3039G>A on transcript NM_025081.3 (MANE Select); coding-DNA position 3039, G replaced by A.
Protein change: p.Ala1013=; no amino-acid change (alanine 1013 retained).
Molecular consequence: synonymous variant.
Genome position (GRCh38, 1-based): chr14:24,414,788, G>A. VCF-style: chr14-24414788-G-A. GRCh37 (hg19) VCF-style: chr14-24883994-G-A.
Other names: c.3039G>A (NM_025081.2).
Identifiers: ClinVar variation 2644141 (VCV002644141.28), dbSNP rs140818379, ClinGen allele CA7137169.
Genomic context (GRCh38, chr14:24,414,788, plus strand): 5'-GGAAGAGAAGGAGGAGAGGCAGGATGAGGAGCAGAGACAGGGGCAGGGCACACAGAAGGC[G>A]GCTGAGGAGGACGACCTTGACTCTTCGCTGGCGTCAGTGTTCAGGGTGGAGTGCCCGTCC-3'
Protein context (NP_079357.2, residues 1003-1023): EQRQGQGTQK[Ala1013=]AEEDDLDSSL